The following is an entry in ClinVar:

NM_003119.4(SPG7):c.941T>C (p.Met314Thr)

Gene: SPG7 (SPG7 matrix AAA peptidase subunit, paraplegin; plus strand). Cytogenetic location: 16q24.3.
Variant type: single nucleotide variant.
Coding change: c.941T>C on transcript NM_003119.4 (MANE Select); coding-DNA position 941, T replaced by C.
Protein change: p.Met314Thr; replaces methionine 314 with threonine.
Molecular consequence: missense variant.
Genome position (GRCh38, 1-based): chr16:89,530,762, T>C. VCF-style: chr16-89530762-T-C. GRCh37 (hg19) VCF-style: chr16-89597170-T-C.
Other names: p.M314T:ATG>ACG; c.941T>C, p.Met314Thr (NM_001363850.1, NM_199367.3); short protein forms M314T.
Identifiers: ClinVar variation 215209 (VCV000215209.3), dbSNP rs863224219, ClinGen allele CA321097.

ClinVar aggregate classification (germline): Uncertain significance. Review status: criteria provided, multiple submitters, no conflicts (2 of 4 stars). 2 submissions from 2 submitters: Uncertain significance (2). Last evaluated 2025-11-25.

Allele frequency attached by ClinVar (database versions not stated): gnomAD 0.00001; TOPMed 0.00001.
gnomAD v4.1: 15 of 1,614,004 alleles (0.00093%); highest among the groups gnomAD compares: Non-Finnish European, 0.0013%; no homozygotes.

Submissions (2):

Women's Health and Genetics/Laboratory Corporation of America, LabCorp
Classification: Uncertain significance. Last evaluated: 2025-11-25. Review status: criteria provided, single submitter. Criteria: LabCorp Variant Classification Summary - May 2015. Collection method: clinical testing. Allele origin: germline.
Comment: Variant summary: SPG7 c.941T>C (p.Met314Thr) results in a non-conservative amino acid change in the encoded protein sequence. Algorithms developed to predict the effect of missense changes on protein structure and function are either unavailable or do not agree on the potential impact of this missense change. The variant allele was found at a frequency of 8e-06 in 251490 control chromosomes. The available data on variant occurrences in the general population are insufficient to allow any conclusion about variant significance. To our knowledge, no occurrence of c.941T>C in individuals affected with SPG7-related conditions and no experimental evidence demonstrating its impact on protein function have been reported. ClinVar contains an entry for this variant (Variation ID: 215209). Based on the evidence outlined above, the variant was classified as uncertain significance.

GeneDx
Classification: Uncertain significance. Last evaluated: 2017-10-17. Review status: criteria provided, single submitter. Criteria: GeneDx Variant Classification (06012015). Collection method: clinical testing. Allele origin: germline. Affected: yes.
Comment: p.Met314Thr (ATG>ACG): c.941 T>C in exon 7 of the SPG7 gene (NM_003119.2) A variant of unknown significance has been identified in the SPG7 gene. The M314T missense substitution has not been published as a mutation, nor has it been reported as a benign polymorphism to our knowledge. M314T is a non-conservative amino acid substitution as a non-polar Methionine residue is replaced by a polar Threonine residue. This change occurs at a position in the SPG7 protein that is highly conserved across species; however, in silico algorithms are not consistent in their predictions of whether or not M314T is damaging to the structure/function of the SPG7 protein. Therefore, based on the currently available information, it is unclear whether M314T is a disease-causing mutation or a rare benign variant. The variant is found in MITONUC-MITOP panel(s).